The following is an entry in ClinVar:

Conditions:
Breast-ovarian cancer, familial, susceptibility to, 1 (BROVCA1). Also called: BRCA1 Hereditary Breast and Ovarian Cancer; OVARIAN CANCER, SUSCEPTIBILITY TO. Identifiers: Orphanet 145, MedGen C2676676, MONDO:0011450, OMIM 604370. Disease mechanism: loss of function.

Submission:

Brotman Baty Institute, University of Washington
No classification provided (evidence only). Condition: Breast-ovarian cancer, familial 1. Review status: no classification provided. Collection method: in vitro. Allele origin: not applicable. Functional consequence: functionally_normal.
ClinVar note: "not provided" was previously submitted as the classification for the variant. However, the classification appeared to be based only on an observation of functional data so it was converted to no classification on 2025-07-30.

NM_007294.4(BRCA1):c.5235C>G (p.Asn1745Lys)

Gene: BRCA1 (BRCA1 DNA repair associated; minus strand). Cytogenetic location: 17q21.31.
Variant type: single nucleotide variant.
Coding change: c.5235C>G on transcript NM_007294.4 (MANE Select); coding-DNA position 5235, C replaced by G.
Protein change: p.Asn1745Lys; replaces asparagine 1745 with lysine.
Molecular consequence: missense variant. On other transcripts: non-coding transcript variant (1).
Genome position (GRCh38, 1-based): chr17:43,057,094, G>C on the plus strand (C>G on the coding strand, the complement: BRCA1 is on the minus strand). VCF-style: chr17-43057094-G-C. GRCh37 (hg19) VCF-style: chr17-41209111-G-C.
Other names: c.5022C>G, p.Asn1674Lys (NM_001407571.1, NM_001407900.1, NM_001407902.1 and 12 more transcripts); c.5301C>G, p.Asn1767Lys (NM_001407581.1, NM_001407582.1); c.5298C>G, p.Asn1766Lys (NM_001407583.1, NM_001407585.1, NM_001407587.1 and 1 more transcripts); c.5295C>G, p.Asn1765Lys (NM_001407590.1, NM_001407591.1); c.5235C>G, p.Asn1745Lys (NM_001407593.1, NM_001407594.1, NM_001407596.1 and 7 more transcripts); c.5232C>G, p.Asn1744Lys (NM_001407610.1, NM_001407611.1, NM_001407612.1 and 17 more transcripts); c.5229C>G, p.Asn1743Lys (NM_001407629.1, NM_001407630.1, NM_001407631.1 and 14 more transcripts); c.5175C>G, p.Asn1725Lys (NM_001407649.1); and 72 more; short protein forms N1698K, N1745K, N1766K, N641K, N1449K, N1591K, N1634K, N1674K.
Identifiers: ClinVar variation 868213 (VCV000868213.3), dbSNP rs2051513534, ClinGen allele CA10591070.